The following is an entry in ClinVar:

ClinVar aggregate classification (germline): Conflicting classifications of pathogenicity. Review status: criteria provided, conflicting classifications (1 of 4 stars). 2 submissions from 2 submitters: Uncertain significance (1); Likely benign (1). Last evaluated 2025-11-03.

Allele frequency attached by ClinVar (database versions not stated): ExAC 0.00003; gnomAD 0.00004; gnomAD exomes 0.00005; TOPMed 0.00005; ESP Exome Variant Server 0.00008; 1000 Genomes Project 30x 0.00016; 1000 Genomes Project 0.00020.
gnomAD v4.1: 84 of 1,612,522 alleles (0.0052%); highest among the groups gnomAD compares: Middle Eastern, 0.05%; no homozygotes.

Submissions (2):

Athena Diagnostics
Classification: Uncertain significance. Last evaluated: 2025-11-03. Review status: criteria provided, single submitter. Criteria: Athena Diagnostics Criteria. Collection method: clinical testing. Allele origin: unknown.
Comment: Available data are insufficient to determine the clinical significance of the variant at this time. The frequency of this variant in the general population is uninformative in assessment of its pathogenicity. Computational tools yielded predictions that this variant is unlikely to have an effect on normal RNA splicing.

CeGaT Center for Human Genetics Tuebingen
Classification: Likely benign. Last evaluated: 2023-09-01. Review status: criteria provided, single submitter. Criteria: CeGaT Center For Human Genetics Tuebingen Variant Classification Criteria Version 2. Collection method: clinical testing. Allele origin: germline. Affected: yes. Observed: 1 variant allele.
Comment: CCDC78: BP4, BP7

NM_001378030.1(CCDC78):c.1329G>A (p.Arg443=)

Gene: CCDC78 (coiled-coil domain containing 78; minus strand). Cytogenetic location: 16p13.3.
Variant type: single nucleotide variant.
Coding change: c.1329G>A on transcript NM_001378030.1 (MANE Select); coding-DNA position 1329, G replaced by A.
Protein change: p.Arg443=; no amino-acid change (arginine 443 retained).
Molecular consequence: synonymous variant. On other transcripts: 3 prime UTR variant (1), non-coding transcript variant (5).
Genome position (GRCh38, 1-based): chr16:722,762, C>T on the plus strand (G>A on the coding strand, the complement: CCDC78 is on the minus strand). VCF-style: chr16-722762-C-T. GRCh37 (hg19) VCF-style: chr16-772762-C-T.
Other names: c.*8G>A (NM_001031737.3, NM_001031737.2); c.1149G>A, p.Arg383= (NM_001378031.1); c.762G>A, p.Arg254= (NM_001378033.1).
Identifiers: ClinVar variation 2645853 (VCV002645853.24), dbSNP rs185369512, ClinGen allele CA7789050.
Genomic context (GRCh38, chr16:722,762, plus strand): 5'-CTGGGGCTTGGCTGGAGGCACAGCCCCCACTTTCCAGGGGTCCCCTGCACCTGCCAGCTT[C>T]CTCAGCCTCAGGATTTCGTGCTTGTACCTGCTCAGAGGAACCATGCTTAAGTGACTTGCC-3'
Protein context (NP_001364959.1, residues 433-453): GRYKHEILRL[Arg443=]KLAGAGDPWK